The following is an entry in ClinVar:

NM_000545.8(HNF1A):c.1018C>T (p.Pro340Ser)

Gene: HNF1A (HNF1 homeobox A; plus strand). Cytogenetic location: 12q24.31.
Variant type: single nucleotide variant.
Coding change: c.1018C>T on transcript NM_000545.8 (MANE Select); coding-DNA position 1018, C replaced by T.
Protein change: p.Pro340Ser; replaces proline 340 with serine.
Molecular consequence: missense variant.
Genome position (GRCh38, 1-based): chr12:120,996,324, C>T. VCF-style: chr12-120996324-C-T. GRCh37 (hg19) VCF-style: chr12-121434127-C-T.
Other names: c.1018C>T, p.Pro340Ser (NM_001306179.2, NM_001406915.1); short protein forms P340S.
Identifiers: ClinVar variation 2443142 (VCV002443142.2), dbSNP rs746055869, ClinGen allele CA386968129.

ClinVar aggregate classification (germline): Uncertain significance (0 of 4 stars; one submission).

Allele frequency attached by ClinVar (database versions not stated): TOPMed below 0.00001.

Submission:

Genetic Services Laboratory, University of Chicago
Classification: Uncertain significance. Last evaluated: 2022-07-14. Review status: no assertion criteria provided. Collection method: clinical testing. Allele origin: germline. Affected: no.
Comment: DNA sequence analysis of the HNF1A gene demonstrated a sequence change, c.1018C>T, in exon 5 that results in an amino acid change, p.Pro340Ser. This sequence change does not appear to have been previously described in individuals with HNF1A-related disorders and has also not been described in population databases such as ExAC and gnomAD. This sequence change has been described in the gnomAD database in one individual (dbSNP rs746055869). The p.Pro340Ser change affects a moderately conserved amino acid residue located in a domain of the HNF1A protein that is known to be functional. The p.Pro340Ser substitution appears to be benign using several in-silico pathogenicity prediction tools (SIFT, PolyPhen2, Align GVGD, REVEL). Due to insufficient evidences and the lack of functional studies, the clinical significance of the p.Pro340Ser change remains unknown at this time.